The following is an entry in ClinVar:

ClinVar aggregate classification (germline): Uncertain significance (0 of 4 stars; one submission).

Conditions:
Neurodevelopmental disorder. Identifiers: MedGen C1535926, MeSH D065886, MONDO:0700092.

Submission:

Department of Human Genetics, University Hospital Bern, Inselspital
Classification: Uncertain significance for neurodevelopmental disorder. Last evaluated: 2025-07-21. Review status: no assertion criteria provided. Collection method: clinical testing. Allele origin: de novo. Affected: yes.
Comment: de novo truncating variant, however, gene is still a candidate gene; gene predicted to be intolerant to loss-of-function variants, variant not in population databases

NM_005839.4(SRRM1):c.1503del (p.Ser502fs)

Gene: SRRM1 (serine and arginine repetitive matrix 1; plus strand). Cytogenetic location: 1p36.11.
Variant type: Deletion.
Coding change: c.1503del on transcript NM_005839.4 (MANE Select); coding-DNA position 1503, one base deleted (C; older notation c.1503delC).
Protein change: p.Ser502fs; shifts the reading frame from serine 502.
Molecular consequence: frameshift variant. On other transcripts: non-coding transcript variant (13).
Genome position (GRCh38, 1-based): chr1:24,662,679, C deleted; the last of 2 consecutive C bases (chr1:24,662,678-24,662,679); deleting either gives the same sequence. VCF-style (leftmost placement, unchanged base first): chr1-24662677-TC-T. GRCh37 (hg19) VCF-style: chr1-24989168-TC-T.
Other names: c.1251del, p.Ser418fs (NM_001366593.1, NM_001366598.1, NM_001366572.1 and 1 more transcripts); c.1161del, p.Ser388fs (NM_001366594.1, NM_001366578.1); c.1503del, p.Ser502fs (NM_001366595.1); c.1296del, p.Ser433fs (NM_001366596.1); c.1386del, p.Ser463fs (NM_001366597.1); c.1248del, p.Ser417fs (NM_001366599.1, NM_001366567.1, NM_001366573.1 and 2 more transcripts); c.1254del, p.Ser419fs (NM_001366600.1, NM_001366565.1, NM_001366566.1 and 2 more transcripts); c.1497del, p.Ser500fs (NM_001303448.2, NM_001366588.1); and 8 more; short protein forms S388fs, S389fs, S416fs, S417fs, S418fs, S419fs, S433fs, S461fs.
Identifiers: ClinVar variation 4075397 (VCV004075397.1).
Genomic context (GRCh38, chr1:24,662,677, plus strand): 5'-AGCACAAACCTAATGTAATATTTTTTTAATTTTGTAATTATAGACTCTGGCTCCTCCTCC[TC>T]CTCAGAAGATGAACGACCCAAGAGATCCCATGTGAAGAATGGTGAGGTTGGCAGGCGGCG-3'